The following is an entry in ClinVar:

NM_000051.4(ATM):c.1847dup (p.Met617fs)

Gene: ATM (ATM serine/threonine kinase; plus strand). Cytogenetic location: 11q22.3.
Variant type: Duplication.
Coding change: c.1847dup on transcript NM_000051.4 (MANE Select); coding-DNA position 1847, one base duplicated (C; older notation c.1847dupC).
Protein change: p.Met617fs; shifts the reading frame from methionine 617.
Molecular consequence: frameshift variant.
Genome position (GRCh38, 1-based): chr11:108,252,861, C duplicated. VCF-style (leftmost placement, unchanged base first): chr11-108252860-A-AC. GRCh37 (hg19) VCF-style: chr11-108123587-A-AC.
Other names: c.1847dup, p.Met617fs (NM_001351834.2); short protein forms M617fs.
Identifiers: ClinVar variation 820189 (VCV000820189.4), dbSNP rs1591530991, ClinGen allele CA915948356.

ClinVar aggregate classification (germline): Pathogenic (1 of 4 stars; one submission).

Conditions:
Hereditary cancer-predisposing syndrome. Also called: Neoplastic Syndromes, Hereditary; Tumor predisposition; Hereditary Cancer Syndrome; Hereditary neoplastic syndrome. Identifiers: Orphanet 140162, MedGen C0027672, MeSH D009386, MONDO:0015356.

Submission:

Ambry Genetics
Classification: Pathogenic for Hereditary cancer-predisposing syndrome. Last evaluated: 2019-12-19. Review status: criteria provided, single submitter. Criteria: Ambry Variant Classification Scheme 2023. Collection method: clinical testing. Allele origin: germline.
Comment: The c.1847dupC pathogenic mutation, located in coding exon 11 of the ATM gene, results from a duplication of C at nucleotide position 1847, causing a translational frameshift with a predicted alternate stop codon (p.M617Yfs*5). This alteration is expected to result in loss of function by premature protein truncation or nonsense-mediated mRNA decay. As such, this alteration is interpreted as a disease-causing mutation.